The following is an entry in ClinVar:

NM_022114.4(PRDM16):c.3363G>C (p.Glu1121Asp)

Gene: PRDM16 (PR/SET domain 16; plus strand). Cytogenetic location: 1p36.32.
Variant type: single nucleotide variant.
Coding change: c.3363G>C on transcript NM_022114.4 (MANE Select); coding-DNA position 3363, G replaced by C.
Protein change: p.Glu1121Asp; replaces glutamic acid 1121 with aspartic acid.
Molecular consequence: missense variant.
Genome position (GRCh38, 1-based): chr1:3,430,950, G>C. VCF-style: chr1-3430950-G-C. GRCh37 (hg19) VCF-style: chr1-3347514-G-C.
Other names: c.3363G>C, p.Glu1121Asp (NM_199454.3); short protein forms E1121D.
Identifiers: ClinVar variation 840229 (VCV000840229.12), dbSNP rs749724757, ClinGen allele CA544849.

ClinVar aggregate classification (germline): Uncertain significance. Review status: criteria provided, multiple submitters, no conflicts (2 of 4 stars). 3 submissions from 3 submitters: Uncertain significance (3). Last evaluated 2024-10-04.

Conditions:
Inborn genetic diseases. Identifiers: MedGen C0950123, MeSH D030342.
Left ventricular noncompaction 8 (LVNC8). Identifiers: Orphanet 154, Orphanet 54260, MedGen C3809288, MONDO:0014152, OMIM 615373.

Allele frequency attached by ClinVar (database versions not stated): ExAC 0.00001; gnomAD 0.00003 and 0.00002; TOPMed 0.00003; gnomAD exomes 0.00003.
gnomAD v4.1: 47 of 1,613,582 alleles (0.0029%); highest among the groups gnomAD compares: Middle Eastern, 0.15%; 1 homozygote.

Submissions (3):

Ambry Genetics
Classification: Uncertain significance for Inborn genetic diseases. Last evaluated: 2024-10-04. Review status: criteria provided, single submitter. Criteria: Ambry Variant Classification Scheme 2023. Collection method: clinical testing. Allele origin: germline.

GeneDx
Classification: Uncertain significance. Last evaluated: 2024-03-22. Review status: criteria provided, single submitter. Criteria: GeneDx Variant Classification Process June 2021. Collection method: clinical testing. Allele origin: germline. Affected: yes.
Comment: Has not been previously published as pathogenic or benign to our knowledge; In silico analysis supports that this missense variant does not alter protein structure/function

Labcorp Genetics (formerly Invitae), Labcorp
Classification: Uncertain significance for Left ventricular noncompaction 8. Last evaluated: 2023-10-17. Review status: criteria provided, single submitter. Criteria: Invitae Variant Classification Sherloc (09022015). Collection method: clinical testing. Allele origin: germline.
Comment: This sequence change replaces glutamic acid, which is acidic and polar, with aspartic acid, which is acidic and polar, at codon 1121 of the PRDM16 protein (p.Glu1121Asp). This variant is present in population databases (rs749724757, gnomAD 0.01%). This variant has not been reported in the literature in individuals affected with PRDM16-related conditions. ClinVar contains an entry for this variant (Variation ID: 840229). An algorithm developed to predict the effect of missense changes on protein structure and function (PolyPhen-2) suggests that this variant is likely to be tolerated. In summary, the available evidence is currently insufficient to determine the role of this variant in disease. Therefore, it has been classified as a Variant of Uncertain Significance.